The following is an entry in ClinVar:

NM_001103.4(ACTN2):c.1665C>G (p.Ile555Met)

Gene: ACTN2 (actinin alpha 2; plus strand). Cytogenetic location: 1q43.
Variant type: single nucleotide variant.
Coding change: c.1665C>G on transcript NM_001103.4 (MANE Select); coding-DNA position 1665, C replaced by G.
Protein change: p.Ile555Met; replaces isoleucine 555 with methionine.
Molecular consequence: missense variant. On other transcripts: non-coding transcript variant (1).
Genome position (GRCh38, 1-based): chr1:236,751,478, C>G. VCF-style: chr1-236751478-C-G. GRCh37 (hg19) VCF-style: chr1-236914778-C-G.
Other names: c.1665C>G, p.Ile555Met (NM_001278343.2); c.1041C>G, p.Ile347Met (NM_001278344.2); c.915C>G, p.Ile305Met (NM_001412150.1); short protein forms I555M, I305M, I347M.
Identifiers: ClinVar variation 2625124 (VCV002625124.2), dbSNP rs2102939437, ClinGen allele CA345385675.

ClinVar aggregate classification (germline): Uncertain significance (1 of 4 stars; one submission).

Conditions:
Cardiovascular phenotype. Identifiers: MedGen CN230736.

gnomAD v4.1: 5 of 1,614,020 alleles (0.00031%); highest among the groups gnomAD compares: Non-Finnish European, 0.00042%; no homozygotes.

Submission:

Ambry Genetics
Classification: Uncertain significance for Cardiovascular phenotype. Last evaluated: 2023-07-06. Review status: criteria provided, single submitter. Criteria: Ambry Variant Classification Scheme 2023. Collection method: clinical testing. Allele origin: germline.
Comment: The p.I555M variant (also known as c.1665C>G), located in coding exon 15 of the ACTN2 gene, results from a C to G substitution at nucleotide position 1665. The isoleucine at codon 555 is replaced by methionine, an amino acid with highly similar properties. This amino acid position is well conserved in available vertebrate species. In addition, this alteration is predicted to be tolerated by in silico analysis. Since supporting evidence is limited at this time, the clinical significance of this alteration remains unclear.